The following is an entry in ClinVar:

NM_007294.4(BRCA1):c.112_113del (p.Lys38fs)

Gene: BRCA1 (BRCA1 DNA repair associated; minus strand). Cytogenetic location: 17q21.31.
Variant type: Deletion.
Coding change: c.112_113del on transcript NM_007294.4 (MANE Select); coding-DNA positions 112 to 113, 2 bases deleted (AA; older notation c.112_113delAA).
Protein change: p.Lys38fs; shifts the reading frame from lysine 38.
Molecular consequence: frameshift variant. On other transcripts: non-coding transcript variant (1), intron variant (1).
Genome position (GRCh38, 1-based): chr17:43,115,747-43,115,748, TT deleted on the plus strand (AA on the coding strand, the reverse complement: BRCA1 is on the minus strand); deleting any 2 consecutive bases within chr17:43,115,747-43,115,749 gives the same sequence; the c. name uses the placement nearest the transcript's 3' end. VCF-style (leftmost placement, unchanged base first): chr17-43115746-CTT-C. GRCh37 (hg19) VCF-style: chr17-41267763-CTT-C.
Other names: 231delAA; p.Lys38Valfs*2; c.112_113delAA (NM_007294.3); c.-78_-77delAA (NM_001408491.1, NM_001408493.1, NM_001408502.1 and 52 more transcripts); c.-194_-193delAA (NM_001408492.1, NM_001407889.1, NM_001407900.1); c.111_112delAA, p.Lys38Valfs (NM_001408494.1, NM_001408495.1, NM_007298.4 and 190 more transcripts); c.-31_-30delAA (NM_001408497.1, NM_001408499.1, NM_001408500.1 and 47 more transcripts); c.-147_-146delAA (NM_001408501.1, NM_001407694.1, NM_001407696.1 and 13 more transcripts); and 6 more; short protein forms K38fs.
Identifiers: ClinVar variation 54141 (VCV000054141.23), dbSNP rs80357949, ClinGen allele CA000749.

ClinVar aggregate classification (germline): Pathogenic. Review status: reviewed by expert panel (3 of 4 stars). 11 submissions from 11 submitters: Pathogenic (1). 10 of the submissions do not count toward it. Last evaluated 2016-09-08.

Conditions:
Hereditary cancer-predisposing syndrome. Also called: Tumor predisposition; Neoplastic Syndromes, Hereditary; Hereditary Cancer Syndrome; Hereditary neoplastic syndrome. Identifiers: Orphanet 140162, MedGen C0027672, MeSH D009386, MONDO:0015356.
Hereditary breast ovarian cancer syndrome. Also called: Hereditary breast and ovarian cancer syndrome (HBOC); Hereditary breast and ovarian cancer syndrome; Hereditary breast and ovarian cancer; Hereditary breast and/or ovarian cancer syndrome; Breast and ovarian cancer; BRCA1- and BRCA2-Associated Hereditary Breast and Ovarian Cancer. Identifiers: Orphanet 145, MedGen C0677776, MeSH D061325, MONDO:0003582. Disease mechanism: loss of function.
Breast-ovarian cancer, familial, susceptibility to, 1 (BROVCA1). Also called: OVARIAN CANCER, SUSCEPTIBILITY TO; BRCA1 Hereditary Breast and Ovarian Cancer. Identifiers: Orphanet 145, MedGen C2676676, MONDO:0011450, OMIM 604370. Disease mechanism: loss of function.

Submissions (11):

Evidence-based Network for the Interpretation of Germline Mutant Alleles (ENIGMA)
Classification: Pathogenic for Breast-ovarian cancer, familial, susceptibility to, 1. Last evaluated: 2016-09-08. Review status: reviewed by expert panel. Criteria: ENIGMA BRCA1/2 Classification Criteria (2015). Collection method: curation. Allele origin: germline.
Comment: Variant allele predicted to encode a truncated non-functional protein.

GeneDx
Classification: Pathogenic. Last evaluated: 2026-02-03. Review status: criteria provided, single submitter. Criteria: GeneDx Variant Classification Process June 2021. Collection method: clinical testing. Allele origin: germline. Not counted in ClinVar's aggregate classification.
Comment: Frameshift variant predicted to result in protein truncation or nonsense mediated decay in a gene for which loss of function is a known mechanism of disease; Truncating variants in this gene are considered pathogenic by a well-established clinical consortium and/or database; Not observed at significant frequency in large population cohorts (gnomAD); Also known as 230delAA and 231delAA; This variant is associated with the following publications: (PMID: 11844822, 14760071, 21080930, 29446198, 8533757, 9145677, 28888541)

Ambry Genetics
Classification: Pathogenic for Hereditary cancer-predisposing syndrome. Last evaluated: 2025-04-04. Review status: criteria provided, single submitter. Criteria: Ambry Variant Classification Scheme 2023. Collection method: clinical testing. Allele origin: germline. Not counted in ClinVar's aggregate classification.
Comment: The c.112_113delAA pathogenic mutation, located in coding exon 2 of the BRCA1 gene, results from a deletion of two nucleotides at nucleotide positions 112 to 113, causing a translational frameshift with a predicted alternate stop codon (p.K38Vfs*2). This mutation has been reported in multiple HBOC families (Friedman LS et al. Am. J. Hum. Genet. 1995 Dec;57:1284-97; Couch FJ et al. N. Engl. J. Med. 1997 May;336:1409-15; Shih HA et al. J. Clin. Oncol. 2002 Feb;20:994-9). Of note, this mutation may be referred to as 230delAA or 231delAA in some literature. This variant is considered to be rare based on population cohorts in the Genome Aggregation Database (gnomAD). This alteration is expected to result in loss of function by premature protein truncation or nonsense-mediated mRNA decay. As such, this alteration is interpreted as a disease-causing mutation.

Labcorp Genetics (formerly Invitae), Labcorp
Classification: Pathogenic for Hereditary breast ovarian cancer syndrome. Last evaluated: 2023-12-27. Review status: criteria provided, single submitter. Criteria: Invitae Variant Classification Sherloc (09022015). Collection method: clinical testing. Allele origin: germline. Not counted in ClinVar's aggregate classification.
Comment: This sequence change creates a premature translational stop signal (p.Lys38Valfs*2) in the BRCA1 gene. It is expected to result in an absent or disrupted protein product. Loss-of-function variants in BRCA1 are known to be pathogenic (PMID: 20104584). This variant is not present in population databases (gnomAD no frequency). This premature translational stop signal has been observed in individual(s) with breast and/or ovarian cancer (PMID: 8533757, 9145677, 11844822, 14760071, 21080930). This variant is also known as c.230delAA and c.231delAA. ClinVar contains an entry for this variant (Variation ID: 54141). For these reasons, this variant has been classified as Pathogenic.

Mayo Clinic Laboratories, Mayo Clinic
Classification: Pathogenic. Last evaluated: 2023-10-11. Review status: criteria provided, single submitter. Criteria: ACMG Guidelines, 2015. Collection method: clinical testing. Allele origin: germline. Observed: 1 variant allele. Not counted in ClinVar's aggregate classification.
Comment: PM2, PM5_strong, PVS1

Baylor Genetics
Classification: Pathogenic for Breast-ovarian cancer, familial, susceptibility to, 1. Last evaluated: 2022-12-22. Review status: criteria provided, single submitter. Criteria: ACMG Guidelines, 2015. Collection method: clinical testing. Allele origin: unknown. Not counted in ClinVar's aggregate classification.

Color Diagnostics, LLC DBA Color Health
Classification: Pathogenic for Hereditary cancer-predisposing syndrome. Last evaluated: 2022-04-05. Review status: criteria provided, single submitter. Criteria: ACMG Guidelines, 2015. Collection method: clinical testing. Allele origin: germline. Not counted in ClinVar's aggregate classification.
Comment: This variant deletes 2 nucleotides in exon 3 of the BRCA1 gene, creating a frameshift and premature translation stop signal. This variant is expected to result in an absent or non-functional protein product. This variant has been reported in individuals and families affected with breast and/or ovarian cancer (PMID: 8533757, 9145677, 11844822, 14760071, 21080930), and has been identified in 4 families among the CIMBA participants (PMID: 29446198). This variant has not been identified in the general population by the Genome Aggregation Database (gnomAD). Loss of BRCA1 function is a known mechanism of disease. Based on the available evidence, this variant is classified as Pathogenic.

Quest Diagnostics Nichols Institute San Juan Capistrano
Classification: Pathogenic. Last evaluated: 2018-07-10. Review status: criteria provided, single submitter. Criteria: Quest Diagnostics criteria. Collection method: clinical testing. Allele origin: germline. Not counted in ClinVar's aggregate classification.

Consortium of Investigators of Modifiers of BRCA1/2 (CIMBA), c/o University of Cambridge
Classification: Pathogenic for Breast-ovarian cancer, familial, susceptibility to, 1. Last evaluated: 2015-10-02. Review status: criteria provided, single submitter. Criteria: CIMBA Mutation Classification guidelines May 2016. Collection method: clinical testing. Allele origin: germline. Not counted in ClinVar's aggregate classification.

Research Molecular Genetics Laboratory, Women's College Hospital, University of Toronto
Classification: Pathogenic for Hereditary breast ovarian cancer syndrome. Last evaluated: 2014-01-31. Review status: no assertion criteria provided. Collection method: research. Allele origin: germline. Affected: yes. Study: The Canadian Open Genetics Repository (COGR). Not counted in ClinVar's aggregate classification.

Breast Cancer Information Core (BIC) (BRCA1)
Classification: Pathogenic for Breast-ovarian cancer, familial 1. Last evaluated: 2002-05-29. Review status: no assertion criteria provided. Collection method: clinical testing. Allele origin: germline. Affected: yes. Observed: 4 variant alleles. Not counted in ClinVar's aggregate classification.

Literature cited by the submitters: PubMed 11844822 (cited by 3 submitters); PubMed 8533757 (cited by 4 submitters); PubMed 9145677 (cited by 4 submitters); PubMed 20104584 (cited by Labcorp Genetics (formerly Invitae), Labcorp); PubMed 14760071 (cited by 3 submitters); PubMed 21080930 (cited by 3 submitters); PubMed 28888541 (cited by Mayo Clinic Laboratories, Mayo Clinic); PubMed 29446198 (cited by Color Diagnostics, LLC DBA Color Health).